The following is an entry in ClinVar:

NM_001371623.1(TCOF1):c.3070A>G (p.Met1024Val)

Gene: TCOF1 (treacle ribosome biogenesis factor 1; plus strand). Cytogenetic location: 5q32.
Variant type: single nucleotide variant.
Coding change: c.3070A>G on transcript NM_001371623.1 (MANE Select); coding-DNA position 3070, A replaced by G.
Protein change: p.Met1024Val; replaces methionine 1024 with valine.
Molecular consequence: missense variant.
Genome position (GRCh38, 1-based): chr5:150,389,910, A>G. VCF-style: chr5-150389910-A-G. GRCh37 (hg19) VCF-style: chr5-149769473-A-G.
Other names: c.2839A>G, p.Met947Val (NM_000356.4, NM_001135245.2); c.3070A>G, p.Met1024Val (NM_001135243.2, NM_001135244.2, NM_001195141.2); short protein forms M1024V, M947V.
Identifiers: ClinVar variation 2504250 (VCV002504250.1), dbSNP rs2534209338, ClinGen allele CA361732670.

ClinVar aggregate classification (germline): Uncertain significance (1 of 4 stars; one submission).

Submission:

GeneDx
Classification: Uncertain significance. Last evaluated: 2022-12-05. Review status: criteria provided, single submitter. Criteria: GeneDx Variant Classification Process June 2021. Collection method: clinical testing. Allele origin: germline. Affected: yes.
Comment: Not observed at significant frequency in large population cohorts (gnomAD); In silico analysis supports that this missense variant does not alter protein structure/function; Has not been previously published as pathogenic or benign to our knowledge